The following is an entry in ClinVar:

NM_005618.4(DLL1):c.761G>A (p.Cys254Tyr)

Gene: DLL1 (delta like canonical Notch ligand 1; minus strand). Cytogenetic location: 6q27.
Variant type: single nucleotide variant.
Coding change: c.761G>A on transcript NM_005618.4 (MANE Select); coding-DNA position 761, G replaced by A.
Protein change: p.Cys254Tyr; replaces cysteine 254 with tyrosine.
Molecular consequence: missense variant.
Genome position (GRCh38, 1-based): chr6:170,285,670, C>T on the plus strand (G>A on the coding strand, the complement: DLL1 is on the minus strand). VCF-style: chr6-170285670-C-T. GRCh37 (hg19) VCF-style: chr6-170594758-C-T.
Other names: short protein forms C254Y.
Identifiers: ClinVar variation 4526484 (VCV004526484.1).

ClinVar aggregate classification (germline): Uncertain significance (1 of 4 stars; one submission).

Conditions:
Neurodevelopmental disorder with nonspecific brain abnormalities and with or without seizures. Identifiers: MedGen C5231470, MONDO:0032877, OMIM 618709.

Submission:

MVZ Medizinische Genetik Mainz
Classification: Uncertain significance for Neurodevelopmental disorder with nonspecific brain abnormalities and with or without seizures. Last evaluated: 2025-10-14. Review status: criteria provided, single submitter. Criteria: UK Practice Guidelines For Variant Classification V4 01 2020. Collection method: clinical testing. Allele origin: germline. Inheritance: Autosomal dominant inheritance. Affected: yes. Observed: 1 variant allele.
Comment: ACMG Criteria: PS2_SUP,PM2_SUP,PP3